The following is an entry in ClinVar:

ClinVar aggregate classification (germline): Uncertain significance (1 of 4 stars; one submission).

Conditions:
Acrocallosal syndrome (ACLS). Also called: HALLUX DUPLICATION, POSTAXIAL POLYDACTYLY, AND ABSENCE OF CORPUS CALLOSUM; Schinzel syndrome 1; Absence of corpus callosum with unusual facial appearance, mental deficiency, duplication of the halluces and polydactyly. Identifiers: Orphanet 36, MedGen C0796147, MONDO:0008708, OMIM 200990.

Submission:

Labcorp Genetics (formerly Invitae), Labcorp
Classification: Uncertain significance for Acrocallosal syndrome. Last evaluated: 2022-04-29. Review status: criteria provided, single submitter. Criteria: Invitae Variant Classification Sherloc (09022015). Collection method: clinical testing. Allele origin: germline.
Comment: This variant is not present in population databases (gnomAD no frequency). This sequence change replaces tryptophan, which is neutral and slightly polar, with arginine, which is basic and polar, at codon 701 of the KIF7 protein (p.Trp701Arg). This variant has not been reported in the literature in individuals affected with KIF7-related conditions. Algorithms developed to predict the effect of missense changes on protein structure and function output the following: SIFT: "Tolerated"; PolyPhen-2: "Benign"; Align-GVGD: "Class C0". The arginine amino acid residue is found in multiple mammalian species, which suggests that this missense change does not adversely affect protein function. In summary, the available evidence is currently insufficient to determine the role of this variant in disease. Therefore, it has been classified as a Variant of Uncertain Significance.

NM_198525.3(KIF7):c.2101T>C (p.Trp701Arg)

Gene: KIF7 (kinesin family member 7; minus strand). Cytogenetic location: 15q26.1.
Variant type: single nucleotide variant.
Coding change: c.2101T>C on transcript NM_198525.3 (MANE Select); coding-DNA position 2101, T replaced by C.
Protein change: p.Trp701Arg; replaces tryptophan 701 with arginine.
Molecular consequence: missense variant.
Genome position (GRCh38, 1-based): chr15:89,645,103, A>G on the plus strand (T>C on the coding strand, the complement: KIF7 is on the minus strand). VCF-style: chr15-89645103-A-G. GRCh37 (hg19) VCF-style: chr15-90188334-A-G.
Other names: short protein forms W701R.
Identifiers: ClinVar variation 2131848 (VCV002131848.4), dbSNP rs1596076011, ClinGen allele CA393763776.